The following is an entry in ClinVar:

ClinVar aggregate classification (germline): Pathogenic (1 of 4 stars; one submission).

Conditions:
Niemann-Pick disease, type A. Also called: Infantile Neurovisceral ASMD (Niemann-Pick Disease Type A; NPD-A); SPHINGOMYELIN LIPIDOSIS; SPHINGOMYELINASE DEFICIENCY. Identifiers: Orphanet 77292, MedGen C0268242, MONDO:0009756, OMIM 257200. Disease mechanism: loss of function.
Niemann-Pick disease, type B. Also called: Chronic Visceral ASMD (Niemann-Pick Disease Type B; NPD-B). Identifiers: Orphanet 77293, MedGen C0268243, MONDO:0011871, OMIM 607616. Disease mechanism: loss of function.

Submission:

Labcorp Genetics (formerly Invitae), Labcorp
Classification: Pathogenic for Niemann-Pick disease, type B; Niemann-Pick disease, type A. Last evaluated: 2021-05-12. Review status: criteria provided, single submitter. Criteria: Invitae Variant Classification Sherloc (09022015). Collection method: clinical testing. Allele origin: germline.
Comment: For these reasons, this variant has been classified as Pathogenic. This variant disrupts the C-terminus of the SMPD1 protein. Other variant(s) that disrupt this region (p.Arg602Valfs*11) have been determined to be pathogenic (PMID: 27338287, Invitae). This suggests that variants that disrupt this region of the protein are likely to be causative of disease. Algorithms developed to predict the effect of sequence changes on RNA splicing suggest that this variant may create or strengthen a splice site, but this prediction has not been confirmed by published transcriptional studies. This variant has not been reported in the literature in individuals with SMPD1-related conditions. This variant is not present in population databases (ExAC no frequency). This sequence change creates a premature translational stop signal (p.Ala526Glnfs*87) in the SMPD1 gene. While this is not anticipated to result in nonsense mediated decay, it is expected to disrupt the last 106 amino acid(s) of the SMPD1 protein.

Literature cited by the submitters: PubMed 27338287.

NM_000543.5(SMPD1):c.1576del (p.Ala526fs)

Gene: SMPD1 (sphingomyelin phosphodiesterase 1; plus strand). Cytogenetic location: 11p15.4.
Variant type: Deletion.
Coding change: c.1576del on transcript NM_000543.5 (MANE Select); coding-DNA position 1576, one base deleted (G; older notation c.1576delG).
Protein change: p.Ala526fs; shifts the reading frame from alanine 526.
Molecular consequence: frameshift variant. On other transcripts: 3 prime UTR variant (1), non-coding transcript variant (2).
Genome position (GRCh38, 1-based): chr11:6,394,287, G deleted; the last of 2 consecutive G bases (chr11:6,394,286-6,394,287); deleting either gives the same sequence. VCF-style (leftmost placement, unchanged base first): chr11-6394285-AG-A. GRCh37 (hg19) VCF-style: chr11-6415515-AG-A.
Other names: c.1573del, p.Ala525fs (NM_001007593.3); c.*69del (NM_001318087.2); c.655del, p.Ala219fs (NM_001318088.2); c.1444del, p.Ala482fs (NM_001365135.2); short protein forms A219fs, A526fs, A482fs, A525fs.
Identifiers: ClinVar variation 1399082 (VCV001399082.8), dbSNP rs2134023240, ClinGen allele CA2573147228.